The following is an entry in ClinVar:

ClinVar aggregate classification (germline): Uncertain significance. Review status: criteria provided, multiple submitters, no conflicts (2 of 4 stars). 2 submissions from 2 submitters: Uncertain significance (2). Last evaluated 2023-12-29.

Conditions:
Ataxia-telangiectasia-like disorder (ATLD). Identifiers: MedGen C1858391, MONDO:0011457.
Ataxia-telangiectasia-like disorder 1 (ATLD1). Identifiers: Orphanet 251347, MedGen C4012790, MONDO:0024557, OMIM 604391.

gnomAD v4.1: 1 of 1,614,068 alleles (0.000062%); highest among the groups gnomAD compares: Non-Finnish European, 0.000085%; no homozygotes.

Submissions (2):

Baylor Genetics
Classification: Uncertain significance for Ataxia-telangiectasia-like disorder 1. Last evaluated: 2023-12-29. Review status: criteria provided, single submitter. Criteria: ACMG Guidelines, 2015. Collection method: clinical testing. Allele origin: unknown.

Labcorp Genetics (formerly Invitae), Labcorp
Classification: Uncertain significance for Ataxia-telangiectasia-like disorder. Last evaluated: 2021-02-05. Review status: criteria provided, single submitter. Criteria: Invitae Variant Classification Sherloc (09022015). Collection method: clinical testing. Allele origin: germline.
Comment: This sequence change replaces phenylalanine with leucine at codon 461 of the MRE11 protein (p.Phe461Leu). The phenylalanine residue is highly conserved and there is a small physicochemical difference between phenylalanine and leucine. This variant is not present in population databases (ExAC no frequency). In summary, the available evidence is currently insufficient to determine the role of this variant in disease. Therefore, it has been classified as a Variant of Uncertain Significance. Algorithms developed to predict the effect of missense changes on protein structure and function are either unavailable or do not agree on the potential impact of this missense change (SIFT: "Tolerated"; PolyPhen-2: "Possibly Damaging"; Align-GVGD: "Class C0"). This variant has not been reported in the literature in individuals with MRE11-related conditions.

NM_005591.4(MRE11):c.1383T>G (p.Phe461Leu)

Gene: MRE11 (MRE11 double strand break repair nuclease; minus strand). Cytogenetic location: 11q21.
Variant type: single nucleotide variant.
Coding change: c.1383T>G on transcript NM_005591.4 (MANE Select); coding-DNA position 1383, T replaced by G.
Protein change: p.Phe461Leu; replaces phenylalanine 461 with leucine.
Molecular consequence: missense variant.
Genome position (GRCh38, 1-based): chr11:94,459,525, A>C on the plus strand (T>G on the coding strand, the complement: MRE11 is on the minus strand). VCF-style: chr11-94459525-A-C. GRCh37 (hg19) VCF-style: chr11-94192691-A-C.
Other names: c.1383T>G, p.Phe461Leu (NM_001330347.2, NM_005590.4); short protein forms F461L.
Identifiers: ClinVar variation 1681582 (VCV001681582.9), dbSNP rs759049812, ClinGen allele CA382371938.